The following is an entry in ClinVar:

ClinVar aggregate classification (germline): Pathogenic (1 of 4 stars; one submission).

Conditions:
Primary ciliary dyskinesia 3. Identifiers: Orphanet 244, MedGen C1837618, MONDO:0012085, OMIM 608644.

Submission:

Myriad Genetics, Inc.
Classification: Pathogenic for Primary ciliary dyskinesia 3. Last evaluated: 2024-05-14. Review status: criteria provided, single submitter. Criteria: Myriad Autosomal Dominant, Autosomal Recessive and X-Linked Classification Criteria (2023). Collection method: clinical testing. Allele origin: unknown.
Comment: NM_001369.2(DNAH5):c.973del1ins12(K325Sfs*25) is expected to be pathogenic in the context of primary ciliary dyskinesia, DNAH5-related. This variant is predicted to lead to an abnormal or absent protein product due to the creation of a premature termination codon in DNAH5, a gene where loss-of-function variants are known to be pathogenic. Please note: this variant was assessed in the context of healthy population screening.

NM_001369.3(DNAH5):c.973delinsTCTCTTATACAC (p.Lys325fs)

Gene: DNAH5 (dynein axonemal heavy chain 5; minus strand). Cytogenetic location: 5p15.2.
Variant type: Indel.
Coding change: c.973delinsTCTCTTATACAC on transcript NM_001369.3 (MANE Select); coding-DNA position 973, A replaced by TCTCTTATACAC.
Protein change: p.Lys325fs; shifts the reading frame from lysine 325.
Molecular consequence: frameshift variant.
Genome position (GRCh38, 1-based): chr5:13,919,178, T replaced by GTGTATAAGAGA on the plus strand (A replaced by TCTCTTATACAC on the coding strand, the reverse complement: DNAH5 is on the minus strand). VCF-style: chr5-13919178-T-GTGTATAAGAGA. GRCh37 (hg19) VCF-style: chr5-13919287-T-GTGTATAAGAGA.
Other names: short protein forms K325fs.
Identifiers: ClinVar variation 5010439 (VCV005010439.1).